The following is an entry in ClinVar:

NM_018109.4(MTPAP):c.91A>T (p.Ser31Cys)

Genes: MTPAP (mitochondrial poly(A) polymerase; minus strand), LOC130003598 (ATAC-STARR-seq lymphoblastoid active region 3207; plus strand). Cytogenetic location: 10p11.23.
Variant type: single nucleotide variant.
Coding change: c.91A>T on transcript NM_018109.4 (MANE Select); coding-DNA position 91, A replaced by T.
Protein change: p.Ser31Cys; replaces serine 31 with cysteine.
Molecular consequence: missense variant.
Genome position (GRCh38, 1-based): chr10:30,349,185, T>A on the plus strand (A>T on the coding strand, the complement: MTPAP is on the minus strand). VCF-style: chr10-30349185-T-A. GRCh37 (hg19) VCF-style: chr10-30638114-T-A.
Other names: short protein forms S31C.
Identifiers: ClinVar variation 3900366 (VCV003900366.1).

ClinVar aggregate classification (germline): Uncertain significance (1 of 4 stars; one submission).

Submission:

GeneDx
Classification: Uncertain significance. Last evaluated: 2024-11-20. Review status: criteria provided, single submitter. Criteria: GeneDx Variant Classification Process June 2021. Collection method: clinical testing. Allele origin: germline. Affected: yes.
Comment: Not observed at significant frequency in large population cohorts (gnomAD); In silico analysis indicates that this missense variant does not alter protein structure/function; Has not been previously published as pathogenic or benign to our knowledge